The following is an entry in ClinVar:

NM_005120.3(MED12):c.4011A>C (p.Glu1337Asp)

Gene: MED12 (mediator complex subunit 12; plus strand). Cytogenetic location: Xq13.1.
Variant type: single nucleotide variant.
Coding change: c.4011A>C on transcript NM_005120.3 (MANE Select); coding-DNA position 4011, A replaced by C.
Protein change: p.Glu1337Asp; replaces glutamic acid 1337 with aspartic acid.
Molecular consequence: missense variant.
Genome position (GRCh38, 1-based): chrX:71,130,178, A>C. VCF-style: chrX-71130178-A-C. GRCh37 (hg19) VCF-style: chrX-70350028-A-C.
Other names: c.4011A>C (NM_005120.2); short protein forms E1337D.
Identifiers: ClinVar variation 1057431 (VCV001057431.11), dbSNP rs2147808786, ClinGen allele CA413524221.

ClinVar aggregate classification (germline): Uncertain significance. Review status: criteria provided, multiple submitters, no conflicts (2 of 4 stars). 3 submissions from 3 submitters: Uncertain significance (3). Last evaluated 2025-03-03.

Conditions:
FG syndrome (FGS). Identifiers: MedGen C0220769, MONDO:0002010.
Familial thoracic aortic aneurysm and aortic dissection (TAAD). Also called: Thoracic aortic aneurysms and dissections. Identifiers: Orphanet 91387, MedGen C4707243, MONDO:0019625.

Submissions (3):

Ambry Genetics
Classification: Uncertain significance for Familial thoracic aortic aneurysm and aortic dissection. Last evaluated: 2025-03-03. Review status: criteria provided, single submitter. Criteria: Ambry Variant Classification Scheme 2023. Collection method: clinical testing. Allele origin: germline.
Comment: The p.E1337D variant (also known as c.4011A>C), located in coding exon 28 of the MED12 gene, results from an A to C substitution at nucleotide position 4011. The glutamic acid at codon 1337 is replaced by aspartic acid, an amino acid with highly similar properties. This amino acid position is conserved. In addition, this alteration is predicted to be tolerated by in silico analysis. Based on the available evidence, the clinical significance of this variant remains unclear.

Labcorp Genetics (formerly Invitae), Labcorp
Classification: Uncertain significance for FG syndrome. Last evaluated: 2025-02-06. Review status: criteria provided, single submitter. Criteria: Invitae Variant Classification Sherloc (09022015). Collection method: clinical testing. Allele origin: germline.
Comment: This sequence change replaces glutamic acid, which is acidic and polar, with aspartic acid, which is acidic and polar, at codon 1337 of the MED12 protein (p.Glu1337Asp). This variant is not present in population databases (gnomAD no frequency). This variant has not been reported in the literature in individuals affected with MED12-related conditions. ClinVar contains an entry for this variant (Variation ID: 1057431). Invitae Evidence Modeling of protein sequence and biophysical properties (such as structural, functional, and spatial information, amino acid conservation, physicochemical variation, residue mobility, and thermodynamic stability) indicates that this missense variant is not expected to disrupt MED12 protein function with a negative predictive value of 95%. In summary, the available evidence is currently insufficient to determine the role of this variant in disease. Therefore, it has been classified as a Variant of Uncertain Significance.

GeneDx
Classification: Uncertain significance. Last evaluated: 2023-03-09. Review status: criteria provided, single submitter. Criteria: GeneDx Variant Classification Process June 2021. Collection method: clinical testing. Allele origin: germline. Affected: yes.
Comment: Not observed at significant frequency in large population cohorts (gnomAD); In silico analysis supports that this missense variant does not alter protein structure/function; Has not been previously published as pathogenic or benign to our knowledge